The following is an entry in ClinVar:

ClinVar aggregate classification (germline): Uncertain significance (1 of 4 stars; one submission).

Conditions:
Hereditary cancer-predisposing syndrome. Also called: Neoplastic Syndromes, Hereditary; Tumor predisposition; Hereditary neoplastic syndrome; Hereditary Cancer Syndrome. Identifiers: Orphanet 140162, MedGen C0027672, MeSH D009386, MONDO:0015356.

Submission:

Ambry Genetics
Classification: Uncertain significance for Hereditary cancer-predisposing syndrome. Last evaluated: 2026-07-07. Review status: criteria provided, single submitter. Criteria: Ambry Variant Classification Scheme 2023. Collection method: clinical testing. Allele origin: germline.
Comment: The p.V115D variant (also known as c.344T>A), located in coding exon 2 of the TMEM127 gene, results from a T to A substitution at nucleotide position 344. The valine at codon 115 is replaced by aspartic acid, an amino acid with highly dissimilar properties. This amino acid position is conserved. In addition, this alteration is predicted to be deleterious by in silico analysis. Based on the available evidence, the clinical significance of this variant remains unclear.

NM_017849.4(TMEM127):c.344T>A (p.Val115Asp)

Gene: TMEM127 (transmembrane protein 127; minus strand). Cytogenetic location: 2q11.2.
Variant type: single nucleotide variant.
Coding change: c.344T>A on transcript NM_017849.4 (MANE Select); coding-DNA position 344, T replaced by A.
Protein change: p.Val115Asp; replaces valine 115 with aspartic acid.
Molecular consequence: missense variant.
Genome position (GRCh38, 1-based): chr2:96,254,898, A>T on the plus strand (T>A on the coding strand, the complement: TMEM127 is on the minus strand). VCF-style: chr2-96254898-A-T. GRCh37 (hg19) VCF-style: chr2-96920636-A-T.
Other names: c.344T>A, p.Val115Asp (NM_001193304.3); c.92T>A, p.Val31Asp (NM_001407282.1, NM_001407283.1); short protein forms V115D, V31D.
Identifiers: ClinVar variation 5030890 (VCV005030890.1).